The following is an entry in ClinVar:

NM_006904.7(PRKDC):c.766A>G (p.Ile256Val)

Gene: PRKDC (protein kinase, DNA-activated, catalytic subunit; minus strand). Cytogenetic location: 8q11.21.
Variant type: single nucleotide variant.
Coding change: c.766A>G on transcript NM_006904.7 (MANE Select); coding-DNA position 766, A replaced by G.
Protein change: p.Ile256Val; replaces isoleucine 256 with valine.
Molecular consequence: missense variant.
Genome position (GRCh38, 1-based): chr8:47,943,985, T>C on the plus strand (A>G on the coding strand, the complement: PRKDC is on the minus strand). VCF-style: chr8-47943985-T-C. GRCh37 (hg19) VCF-style: chr8-48856545-T-C.
Other names: c.766A>G, p.Ile256Val (NM_001081640.2); short protein forms I256V.
Identifiers: ClinVar variation 1760051 (VCV001760051.5), dbSNP rs757981164, ClinGen allele CA4741938.

ClinVar aggregate classification (germline): Uncertain significance. Review status: criteria provided, multiple submitters, no conflicts (2 of 4 stars). 2 submissions from 2 submitters: Uncertain significance (2). Last evaluated 2022-03-22.

Conditions:
Severe combined immunodeficiency due to DNA-PKcs deficiency. Also called: IMMUNODEFICIENCY 26 WITH NEUROLOGIC ABNORMALITIES; Immunodeficiency 26 with or without neurologic abnormalities. Identifiers: Orphanet 317425, MedGen C4014833, MONDO:0014423, OMIM 615966.

Allele frequency attached by ClinVar (database versions not stated): gnomAD 0.00002; TOPMed 0.00002; ExAC 0.00003.
gnomAD v4.1: 14 of 1,564,182 alleles (0.0009%); highest among the groups gnomAD compares: African/African-American, 0.0055%; no homozygotes.

Submissions (2):

Labcorp Genetics (formerly Invitae), Labcorp
Classification: Uncertain significance for Severe combined immunodeficiency due to DNA-PKcs deficiency. Last evaluated: 2022-03-22. Review status: criteria provided, single submitter. Criteria: Invitae Variant Classification Sherloc (09022015). Collection method: clinical testing. Allele origin: germline.
Comment: This variant is present in population databases (rs757981164, gnomAD 0.01%). This sequence change replaces isoleucine, which is neutral and non-polar, with valine, which is neutral and non-polar, at codon 256 of the PRKDC protein (p.Ile256Val). This variant has not been reported in the literature in individuals affected with PRKDC-related conditions. In summary, the available evidence is currently insufficient to determine the role of this variant in disease. Therefore, it has been classified as a Variant of Uncertain Significance. Experimental studies and prediction algorithms are not available or were not evaluated, and the functional significance of this variant is currently unknown.

Ambry Genetics
Classification: Uncertain significance. Last evaluated: 2021-06-25. Review status: criteria provided, single submitter. Criteria: Ambry Variant Classification Scheme 2023. Collection method: clinical testing. Allele origin: germline.
Comment: The p.I256V variant (also known as c.766A>G), located in coding exon 8 of the PRKDC gene, results from an A to G substitution at nucleotide position 766. The isoleucine at codon 256 is replaced by valine, an amino acid with highly similar properties. This amino acid position is conserved. In addition, this alteration is predicted to be tolerated by in silico analysis. Since supporting evidence is limited at this time, the clinical significance of this alteration remains unclear.